The following is an entry in ClinVar:

NM_000540.3(RYR1):c.326G>A (p.Arg109Gln)

Gene: RYR1 (ryanodine receptor 1; plus strand). Cytogenetic location: 19q13.2.
Variant type: single nucleotide variant.
Coding change: c.326G>A on transcript NM_000540.3 (MANE Select); coding-DNA position 326, G replaced by A.
Protein change: p.Arg109Gln; replaces arginine 109 with glutamine.
Molecular consequence: missense variant.
Genome position (GRCh38, 1-based): chr19:38,443,613, G>A. VCF-style: chr19-38443613-G-A. GRCh37 (hg19) VCF-style: chr19-38934253-G-A.
Other names: c.326G>A, p.Arg109Gln (NM_001042723.2); short protein forms R109Q.
Identifiers: ClinVar variation 634440 (VCV000634440.11), dbSNP rs762278203, ClinGen allele CA064636.

ClinVar aggregate classification (germline): Conflicting classifications of pathogenicity. Review status: criteria provided, conflicting classifications (1 of 4 stars). 4 submissions from 4 submitters: Likely pathogenic (2); Uncertain significance (2). Last evaluated 2025-03-27.

Conditions:
RYR1-related disorder. Also called: RYR1-related disorders; RYR1-related condition. Identifiers: MedGen CN239331.
Malignant hyperthermia, susceptibility to, 1 (MHS1). Also called: Malignant hyperthermia suceptibility 1; Anesthesia related hyperthermia; Malignant hyperpyrexia; Fulminating hyperpyrexia; Pharmacogenic myopathy; RYR1-Related Malignant Hyperthermia Susceptibility. Identifiers: Orphanet 423, MedGen C2930980, MONDO:0007783, OMIM 145600.
Congenital multicore myopathy with external ophthalmoplegia (CMYO1B). Also called: MULTICORE MYOPATHY; MULTIMINICORE DISEASE WITH EXTERNAL OPHTHALMOPLEGIA; Minicore myopathy with external ophthalmoplegia; Congenital myopathy 1B, autosomal recessive; Minicore myopathy. Identifiers: Orphanet 598, Orphanet 98905, MedGen C1850674, MONDO:0009712, OMIM 255320, HP:0003789.

Allele frequency attached by ClinVar (database versions not stated): gnomAD exomes below 0.00001 and 0.00001; ExAC 0.00001; gnomAD 0.00001; TOPMed 0.00002.
gnomAD v4.1: 17 of 1,613,968 alleles (0.0011%); highest among the groups gnomAD compares: African/African-American, 0.0027%; no homozygotes.

Submissions (4):

Labcorp Genetics (formerly Invitae), Labcorp
Classification: Likely pathogenic for RYR1-related disorder. Last evaluated: 2025-03-27. Review status: criteria provided, single submitter. Criteria: Invitae Variant Classification Sherloc (09022015). Collection method: clinical testing. Allele origin: germline.
Comment: This sequence change replaces arginine, which is basic and polar, with glutamine, which is neutral and polar, at codon 109 of the RYR1 protein (p.Arg109Gln). This variant is present in population databases (rs762278203, gnomAD 0.004%). This variant has not been reported in the literature in individuals affected with RYR1-related conditions. ClinVar contains an entry for this variant (Variation ID: 634440). Invitae Evidence Modeling of protein sequence and biophysical properties (such as structural, functional, and spatial information, amino acid conservation, physicochemical variation, residue mobility, and thermodynamic stability) has been performed for this missense variant. However, the output from this modeling did not meet the statistical confidence thresholds required to predict the impact of this variant on RYR1 protein function. This variant disrupts the Arg109 amino acid residue in RYR1. Other variant(s) that disrupt this residue have been determined to be pathogenic in association with autosomal recessive RYR1-related conditions (PMID: 16084090, 18171678, 23826317, 28357410; internal data). This suggests that this residue is clinically significant, and that variants that disrupt this residue are likely to be disease-causing. In summary, the currently available evidence indicates that the variant is pathogenic, but additional data are needed to prove that conclusively. Therefore, this variant has been classified as Likely Pathogenic.

All of Us Research Program, National Institutes of Health
Classification: Uncertain significance for Malignant hyperthermia, susceptibility to, 1. Last evaluated: 2023-06-28. Review status: criteria provided, single submitter. Criteria: ACMG Guidelines, 2015. Collection method: clinical testing. Allele origin: germline. Inheritance: Autosomal dominant inheritance. Observed: 2 variant alleles, 2 heterozygotes.
Comment: This missense variant replaces arginine with glutamine at codon 109 of the RYR1 protein. Computational prediction suggests that this variant may have deleterious impact on protein structure and function (internally defined REVEL score threshold >= 0.7, PMID: 27666373). To our knowledge, functional studies have not been reported for this variant. This variant has not been reported in individuals affected with autosomal dominant malignant hyperthermia in the literature, although it is associated with other phenotype(s) (ClinVar Variation ID: 634440). This variant has been identified in 2/282624 chromosomes in the general population by the Genome Aggregation Database (gnomAD). Due to insufficient evidence, this variant is classified as a Variant of Uncertain Significance for autosomal dominant malignant hyperthermia.

This study involves interpretation of variants in research participants for the purpose of population health screening. Participant phenotype was not available at the time of variant classification. Additional details can be found in publication PMID: 35346344, PMCID: PMC8962531

Genomic Research Center, Shahid Beheshti University of Medical Sciences
Classification: Uncertain significance. Last evaluated: 2019-01-01. Review status: criteria provided, single submitter. Criteria: ACMG Guidelines, 2015. Collection method: clinical testing. Allele origin: unknown. Affected: no. Observed: 1 variant allele.

Kariminejad - Najmabadi Pathology & Genetics Center
Classification: Likely pathogenic for Congenital multicore myopathy with external ophthalmoplegia. Review status: criteria provided, single submitter. Criteria: ACMG Guidelines, 2015. Collection method: clinical testing. Allele origin: germline. Affected: no.

Literature cited by the submitters: PubMed 16084090 (cited by Labcorp Genetics (formerly Invitae), Labcorp); PubMed 18171678 (cited by Labcorp Genetics (formerly Invitae), Labcorp); PubMed 23826317 (cited by Labcorp Genetics (formerly Invitae), Labcorp); PubMed 28357410 (cited by Labcorp Genetics (formerly Invitae), Labcorp).